The following is an entry in ClinVar:

ClinVar aggregate classification (germline): Conflicting classifications of pathogenicity. Review status: criteria provided, conflicting classifications (1 of 4 stars). 9 submissions from 8 submitters: Uncertain significance (6); Benign (1); Likely benign (2). Last evaluated 2026-09-05.

Conditions:
NF1-related disorder. Also called: NF1-related condition. Identifiers: MedGen CN379171.
Cardiovascular phenotype. Identifiers: MedGen CN230736.
Hereditary cancer-predisposing syndrome. Also called: Neoplastic Syndromes, Hereditary; Tumor predisposition; Hereditary Cancer Syndrome; Hereditary neoplastic syndrome. Identifiers: Orphanet 140162, MedGen C0027672, MeSH D009386, MONDO:0015356.
Neurofibromatosis, type 1 (NF1). Also called: NEUROFIBROMATOSIS, TYPE I, SOMATIC; Peripheral type neurofibromatosis; Neurofibromatosis, type I; VON RECKLINGHAUSEN DISEASE. Identifiers: Orphanet 636, MedGen C0027831, MONDO:0018975, OMIM 162200. Disease mechanism: loss of function.
Neurofibromatosis, familial spinal (FSNF). Identifiers: Orphanet 636, MedGen C1834235, MONDO:0008078, OMIM 162210. Disease mechanism: loss of function.
Juvenile myelomonocytic leukemia (JMML). Also called: LEUKEMIA, JUVENILE MYELOMONOCYTIC, SOMATIC. Identifiers: Orphanet 86834, MedGen C0349639, MONDO:0011908, OMIM 607785, HP:0012209.
Neurofibromatosis-Noonan syndrome (NFNS). Also called: NEUROFIBROMATOSIS WITH NOONAN PHENOTYPE. Identifiers: Orphanet 638, MedGen C2931482, MONDO:0011035, OMIM 601321. Disease mechanism: loss of function.
Café-au-lait macules with pulmonary stenosis (WTSN). Also called: PULMONIC STENOSIS WITH CAFE-AU-LAIT SPOTS. Identifiers: MedGen C0553586, MONDO:0008672, OMIM 193520.

Allele frequency attached by ClinVar (database versions not stated): gnomAD 0.00001; gnomAD exomes 0.00001; TOPMed 0.00001; ExAC 0.00002.
gnomAD v4.1: 4 of 1,613,604 alleles (0.00025%); highest among the groups gnomAD compares: Non-Finnish European, 0.00034%; no homozygotes.

Submissions (9):

PreventionGenetics, part of Exact Sciences
Classification: Uncertain significance for NF1-related condition. Last evaluated: 2026-09-05. Review status: criteria provided, single submitter. Criteria: ACMG Guidelines, 2015. Collection method: clinical testing. Allele origin: germline.
Comment: The NF1 c.1870T>C variant is predicted to result in the amino acid substitution p.Phe624Leu. To our knowledge, this variant has not been reported in the literature. It is reported in 0.0029% of alleles in individuals of Latino descent in gnomAD and has conflicting interpretations in ClinVar ranging from likely benign to uncertain (Variation ID: 233199). At this time, the clinical significance of this variant is uncertain due to the absence of conclusive functional and genetic evidence.

Labcorp Genetics (formerly Invitae), Labcorp
Classification: Benign for Neurofibromatosis, type 1. Last evaluated: 2025-12-09. Review status: criteria provided, single submitter. Criteria: Invitae Variant Classification Sherloc (09022015). Collection method: clinical testing. Allele origin: germline.

Ambry Genetics
Classification: Likely benign for Cardiovascular phenotype; Hereditary cancer-predisposing syndrome. Last evaluated: 2025-01-11. Review status: criteria provided, single submitter. Criteria: Ambry Variant Classification Scheme 2023. Collection method: clinical testing. Allele origin: germline.

Women's Health and Genetics/Laboratory Corporation of America, LabCorp
Classification: Uncertain significance. Last evaluated: 2024-09-25. Review status: criteria provided, single submitter. Criteria: LabCorp Variant Classification Summary - May 2015. Collection method: clinical testing. Allele origin: germline.
Comment: Variant summary: NF1 c.1870T>C (p.Phe624Leu) results in a non-conservative amino acid change in the encoded protein sequence. Two of three in-silico tools predict a damaging effect of the variant on protein function. The variant allele was found at a frequency of 1.2e-05 in 251204 control chromosomes. The available data on variant occurrences in the general population are insufficient to allow any conclusion about variant significance. To our knowledge, no occurrence of c.1870T>C in individuals affected with Neurofibromatosis Type 1 and no experimental evidence demonstrating its impact on protein function have been reported. ClinVar contains an entry for this variant (Variation ID: 233199). Based on the evidence outlined above, the variant was classified as uncertain significance.

Fulgent Genetics
Classification: Uncertain significance for Neurofibromatosis, type 1; Neurofibromatosis, familial spinal; Café-au-lait macules with pulmonary stenosis; Neurofibromatosis-Noonan syndrome; Juvenile myelomonocytic leukemia. Last evaluated: 2023-12-24. Review status: criteria provided, single submitter. Criteria: ACMG Guidelines, 2015. Collection method: clinical testing. Allele origin: germline.

GeneDx
Classification: Likely benign. Last evaluated: 2023-07-24. Review status: criteria provided, single submitter. Criteria: GeneDx Variant Classification Process June 2021. Collection method: clinical testing. Allele origin: germline.
Comment: See Variant Classification Assertion Criteria.

Genome-Nilou Lab
Classification: Uncertain significance for Neurofibromatosis, type 1. Last evaluated: 2022-03-15. Review status: criteria provided, single submitter. Criteria: ACMG Guidelines, 2015. Collection method: clinical testing. Allele origin: germline. Affected: no.

New York Genome Center
Classification: Uncertain significance. Last evaluated: 2020-05-04. Review status: criteria provided, single submitter. Criteria: NYGC Assertion Criteria 2020. Collection method: clinical testing. Allele origin: germline. Inheritance: Autosomal dominant inheritance. Affected: yes. Observed: 1 heterozygote. Study: CSER-NYCKidSeq.

Ambry Genetics
Classification: Uncertain significance for Hereditary cancer-predisposing syndrome. Last evaluated: 2015-07-30. Review status: criteria provided, single submitter. Criteria: Ambry Autosomal Dominant and X-Linked criteria (10/2015). Collection method: clinical testing. Allele origin: germline. Observed: 1 variant allele.
Comment: The p.F624L variant (also known as c.1870T>C), located in coding exon 17 of the NF1 gene, results from a T to C substitution at nucleotide position 1870. The phenylalanine at codon 624 is replaced by leucine, an amino acid with highly similar properties. This variant was not reported in population based cohorts in the following databases: Database of Single Nucleotide Polymorphisms (dbSNP), NHLBI Exome Sequencing Project (ESP), and 1000 Genomes Project. In the ESP, this variant was not observed in 6503 samples (13006 alleles) with coverage at this position. To date, this alteration has been detected with an allele frequency of approximately 0.003% (greater than 110000alleles tested) in our clinical cohort.This amino acid position is well conserved in available vertebrate species. In addition, this alteration is predicted to be possibly damaging yet tolerated by PolyPhen and SIFT in silico analyses, respectively.Since supporting evidence is limited at this time, the clinical significance of p.F624L remains unclear.

Literature cited by the submitters: PubMed 10678181 (cited by Women's Health and Genetics/Laboratory Corporation of America, LabCorp); PubMed 23460398 (cited by Women's Health and Genetics/Laboratory Corporation of America, LabCorp); PubMed 29872168 (cited by Women's Health and Genetics/Laboratory Corporation of America, LabCorp); PubMed 27069254 (cited by Women's Health and Genetics/Laboratory Corporation of America, LabCorp).

NM_001042492.3(NF1):c.1870T>C (p.Phe624Leu)

Gene: NF1 (neurofibromin 1; plus strand). Cytogenetic location: 17q11.2.
Variant type: single nucleotide variant.
Coding change: c.1870T>C on transcript NM_001042492.3 (MANE Select); coding-DNA position 1870, T replaced by C.
Protein change: p.Phe624Leu; replaces phenylalanine 624 with leucine.
Molecular consequence: missense variant.
Genome position (GRCh38, 1-based): chr17:31,225,119, T>C. VCF-style: chr17-31225119-T-C. GRCh37 (hg19) VCF-style: chr17-29552137-T-C.
Other names: c.1870T>C, p.Phe624Leu (NM_000267.4); short protein forms F624L.
Identifiers: ClinVar variation 233199 (VCV000233199.23), dbSNP rs765060733, ClinGen allele CA8485877.